The following is an entry in ClinVar:

NM_001184880.2(PCDH19):c.1755C>G (p.Tyr585Ter)

Gene: PCDH19 (protocadherin 19; minus strand). Cytogenetic location: Xq22.1.
Variant type: single nucleotide variant.
Coding change: c.1755C>G on transcript NM_001184880.2 (MANE Select); coding-DNA position 1755, C replaced by G.
Protein change: p.Tyr585Ter; replaces tyrosine 585 with a stop codon.
Molecular consequence: nonsense.
Genome position (GRCh38, 1-based): chrX:100,406,843, G>C on the plus strand (C>G on the coding strand, the complement: PCDH19 is on the minus strand). VCF-style: chrX-100406843-G-C. GRCh37 (hg19) VCF-style: chrX-99661841-G-C.
Other names: c.1755C>G, p.Tyr585Ter (NM_001105243.2, NM_020766.3); short protein forms Y585*.
Identifiers: ClinVar variation 658664 (VCV000658664.7), dbSNP rs749662385, ClinGen allele CA414002047.

ClinVar aggregate classification (germline): Pathogenic (1 of 4 stars; one submission).

Conditions:
Developmental and epileptic encephalopathy, 9 (DEE9). Also called: EPILEPSY, FEMALE-RESTRICTED, WITH MENTAL RETARDATION; JUBERG-HELLMAN SYNDROME; PCDH19-Related X-Linked Female-Limited Epilepsy with Mental Retardation; Early infantile epileptic encephalopathy 9. Identifiers: Orphanet 101039, Orphanet 2076, MedGen C1848137, MONDO:0010246, OMIM 300088. Disease mechanism: loss of function.

Submission:

Labcorp Genetics (formerly Invitae), Labcorp
Classification: Pathogenic for Developmental and epileptic encephalopathy, 9. Last evaluated: 2018-10-04. Review status: criteria provided, single submitter. Criteria: Invitae Variant Classification Sherloc (09022015). Collection method: clinical testing. Allele origin: germline.
Comment: For these reasons, this variant has been classified as Pathogenic. Loss-of-function variants in PCDH19 are known to be pathogenic (PMID: 21053371). This variant has not been reported in the literature in individuals with PCDH19-related disease. This variant is not present in population databases (ExAC no frequency). This sequence change creates a premature translational stop signal (p.Tyr585*) in the PCDH19 gene. It is expected to result in an absent or disrupted protein product.

Literature cited by the submitters: PubMed 21053371.